The following is an entry in ClinVar:

NM_005359.6(SMAD4):c.191A>G (p.Asn64Ser)

Gene: SMAD4 (SMAD family member 4; plus strand). Cytogenetic location: 18q21.2.
Variant type: single nucleotide variant.
Coding change: c.191A>G on transcript NM_005359.6 (MANE Select); coding-DNA position 191, A replaced by G.
Protein change: p.Asn64Ser; replaces asparagine 64 with serine.
Molecular consequence: missense variant.
Genome position (GRCh38, 1-based): chr18:51,047,237, A>G. VCF-style: chr18-51047237-A-G. GRCh37 (hg19) VCF-style: chr18-48573607-A-G.
Other names: short protein forms N64S.
Identifiers: ClinVar variation 940423 (VCV000940423.13), dbSNP rs1909571462, ClinGen allele CA402457981.

ClinVar aggregate classification (germline): Uncertain significance. Review status: criteria provided, multiple submitters, no conflicts (2 of 4 stars). 2 submissions from 2 submitters: Uncertain significance (2). Last evaluated 2025-11-10.

Conditions:
Familial thoracic aortic aneurysm and aortic dissection (TAAD). Also called: Thoracic aortic aneurysms and dissections. Identifiers: Orphanet 91387, MedGen C4707243, MONDO:0019625.
Hereditary cancer-predisposing syndrome. Also called: Tumor predisposition; Hereditary neoplastic syndrome; Neoplastic Syndromes, Hereditary; Hereditary Cancer Syndrome. Identifiers: Orphanet 140162, MedGen C0027672, MeSH D009386, MONDO:0015356.
Juvenile polyposis syndrome (JPS). Identifiers: Orphanet 2929, MedGen C0345893, MONDO:0017380, OMIM 174900.

Allele frequency attached by ClinVar (database versions not stated): gnomAD exomes below 0.00001.
gnomAD v4.1: 1 of 1,613,766 alleles (0.000062%); highest among the groups gnomAD compares: Non-Finnish European, 0.000085%; no homozygotes.

Submissions (2):

Labcorp Genetics (formerly Invitae), Labcorp
Classification: Uncertain significance for Juvenile polyposis syndrome. Last evaluated: 2025-11-10. Review status: criteria provided, single submitter. Criteria: Invitae Variant Classification Sherloc (09022015). Collection method: clinical testing. Allele origin: germline.
Comment: This sequence change replaces asparagine, which is neutral and polar, with serine, which is neutral and polar, at codon 64 of the SMAD4 protein (p.Asn64Ser). This variant is not present in population databases (gnomAD no frequency). This variant has not been reported in the literature in individuals affected with SMAD4-related conditions. ClinVar contains an entry for this variant (Variation ID: 940423). Invitae Evidence Modeling of protein sequence and biophysical properties (such as structural, functional, and spatial information, amino acid conservation, physicochemical variation, residue mobility, and thermodynamic stability) has been performed for this missense variant. However, the output from this modeling did not meet the statistical confidence thresholds required to predict the impact of this variant on SMAD4 protein function. In summary, the available evidence is currently insufficient to determine the role of this variant in disease. Therefore, it has been classified as a Variant of Uncertain Significance.

Ambry Genetics
Classification: Uncertain significance for Hereditary cancer-predisposing syndrome; Familial thoracic aortic aneurysm and aortic dissection. Last evaluated: 2025-09-18. Review status: criteria provided, single submitter. Criteria: Ambry Variant Classification Scheme 2023. Collection method: clinical testing. Allele origin: germline.
Comment: The p.N64S variant (also known as c.191A>G), located in coding exon 1 of the SMAD4 gene, results from an A to G substitution at nucleotide position 191. The asparagine at codon 64 is replaced by serine, an amino acid with highly similar properties. This amino acid position is highly conserved in available vertebrate species. In addition, this alteration is predicted to be tolerated by in silico analysis. Based on the available evidence, the clinical significance of this variant remains unclear.